The following is an entry in ClinVar:

ClinVar aggregate classification (germline): Uncertain significance (1 of 4 stars; one submission).

gnomAD v4.1: 26 of 1,611,472 alleles (0.0016%); highest among the groups gnomAD compares: East Asian, 0.011%; no homozygotes.

Submission:

Labcorp Genetics (formerly Invitae), Labcorp
Classification: Uncertain significance. Last evaluated: 2025-07-31. Review status: criteria provided, single submitter. Criteria: Invitae Variant Classification Sherloc (09022015). Collection method: clinical testing. Allele origin: germline.
Comment: This sequence change affects codon 822 of the CNOT1 mRNA. It is a 'silent' change, meaning that it does not change the encoded amino acid sequence of the CNOT1 protein. This variant is present in population databases (rs755352827, gnomAD 0.02%). This variant has not been reported in the literature in individuals affected with CNOT1-related conditions. Algorithms developed to predict the effect of sequence changes on RNA splicing suggest that this variant may create or strengthen a splice site. In summary, the available evidence is currently insufficient to determine the role of this variant in disease. Therefore, it has been classified as a Variant of Uncertain Significance.

NM_016284.5(CNOT1):c.2481G>A (p.Ser827=)

Gene: CNOT1 (CCR4-NOT transcription complex subunit 1; minus strand). Cytogenetic location: 16q21.
Variant type: single nucleotide variant.
Coding change: c.2481G>A on transcript NM_016284.5 (MANE Select); coding-DNA position 2481, G replaced by A.
Protein change: p.Ser827=; no amino-acid change (serine 827 retained).
Molecular consequence: synonymous variant. On other transcripts: non-coding transcript variant (1).
Genome position (GRCh38, 1-based): chr16:58,555,907, C>T on the plus strand (G>A on the coding strand, the complement: CNOT1 is on the minus strand). VCF-style: chr16-58555907-C-T. GRCh37 (hg19) VCF-style: chr16-58589811-C-T.
Other names: c.2466G>A, p.Thr822= (NM_001265612.2); c.2481G>A, p.Ser827= (NM_206999.3).
Identifiers: ClinVar variation 4781119 (VCV004781119.1).